The following is an entry in ClinVar:

Single allele

Variant type: Duplication.
Identifiers: ClinVar variation 157375 (VCV000157375.2).

ClinVar aggregate classification (germline): not provided (0 of 4 stars; one submission).

Conditions:
Gestational diabetes mellitus uncontrolled. Identifiers: MedGen C3532257.

Submission:

Institute of Molecular and Cell Biology, University of Tartu
No classification provided. Condition: Gestational diabetes mellitus uncontrolled. Review status: no classification provided. Collection method: case-control. Allele origin: unknown. Affected: yes. Study: Kasak2014.
Comment: The study aimed to determine the contribution of copy number variants in the genetic etiology of normal and complicated pregnancies. The samples represented (i) maternal blood DNA drawn from healthy pregnant women during 1st or 2nd trimester and (ii) maternal and paternal blood DNA drawn at term pregnancy cases representing normal and complicated gestations (severe preeclampsia, PE; gestational diabetes, GD; small-for-gestational age newborn, SGA; large-for-gestational age newborn, LGA). We performed CNV calling based on genome-wide genotyping dataset (Illumina HumanOmniExpress-24-v1 BeadChip) by applying three algorithms, QuantiSNP, GADA (Genome Alteration Detection Algorithm) and CNstream in parallel. The acquired CNV calls were merged with HD-CNV (Hotspot Detector for Copy Number Variants) program and only the CNVs predicted by at least two programs, were considered in subsequent analysis.

Literature cited by the submitters: PubMed 25666259.